The following is an entry in ClinVar:

NM_000059.4(BRCA2):c.2852T>C (p.Leu951Pro)

Gene: BRCA2 (BRCA2 DNA repair associated; plus strand). Cytogenetic location: 13q13.1.
Variant type: single nucleotide variant.
Coding change: c.2852T>C on transcript NM_000059.4 (MANE Select); coding-DNA position 2852, T replaced by C.
Protein change: p.Leu951Pro; replaces leucine 951 with proline.
Molecular consequence: missense variant.
Genome position (GRCh38, 1-based): chr13:32,337,207, T>C. VCF-style: chr13-32337207-T-C. GRCh37 (hg19) VCF-style: chr13-32911344-T-C.
Other names: short protein forms L951P.
Identifiers: ClinVar variation 1171682 (VCV001171682.4), dbSNP rs2137490572, ClinGen allele CA387773938.

ClinVar aggregate classification (germline): Conflicting classifications of pathogenicity. Review status: criteria provided, conflicting classifications (1 of 4 stars). 2 submissions from 2 submitters: Uncertain significance (1); Likely benign (1). Last evaluated 2023-03-23.

Conditions:
Hereditary cancer-predisposing syndrome. Also called: Tumor predisposition; Hereditary neoplastic syndrome; Hereditary Cancer Syndrome; Neoplastic Syndromes, Hereditary. Identifiers: Orphanet 140162, MedGen C0027672, MeSH D009386, MONDO:0015356.

Submissions (2):

University of Washington Department of Laboratory Medicine, University of Washington
Classification: Likely benign for Hereditary cancer-predisposing syndrome. Last evaluated: 2023-03-23. Review status: criteria provided, single submitter. Criteria: Dines et al. (Genet Med. 2020). Collection method: curation. Allele origin: germline.
Comment: Missense variant in a coldspot region where missense variants are very unlikely to be pathogenic (PMID:31911673).

BRCA2 exon 11 coldspot. Reclassification based on statistical prior probability.

Color Diagnostics, LLC DBA Color Health
Classification: Uncertain significance for Hereditary cancer-predisposing syndrome. Last evaluated: 2021-01-26. Review status: criteria provided, single submitter. Criteria: ACMG Guidelines, 2015. Collection method: clinical testing. Allele origin: germline.
Comment: This missense variant replaces leucine with proline at codon 951 of the BRCA2 protein. Computational prediction suggests that this variant may not impact protein structure and function (internally defined REVEL score threshold <= 0.5, PMID: 27666373). To our knowledge, functional studies have not been reported for this variant. This variant has not been reported in individuals affected with hereditary cancer in the literature. This variant has not been identified in the general population by the Genome Aggregation Database (gnomAD). The available evidence is insufficient to determine the role of this variant in disease conclusively. Therefore, this variant is classified as a Variant of Uncertain Significance.